The following is an entry in ClinVar:

ClinVar aggregate classification (germline): Uncertain significance (1 of 4 stars; one submission).

Conditions:
NAF1-related disorder. Also called: NAF1-related condition.

Submission:

PreventionGenetics, part of Exact Sciences
Classification: Uncertain significance for NAF1-related condition. Last evaluated: 2022-08-26. Review status: criteria provided, single submitter. Criteria: ACMG Guidelines, 2015. Collection method: clinical testing. Allele origin: germline.
Comment: The NAF1 c.49A>T variant is predicted to result in the amino acid substitution p.Asn17Tyr. To our knowledge, this variant has not been reported in the literature or in a large population database, indicating this variant is rare. At this time, the clinical significance of this variant is uncertain due to the absence of conclusive functional and genetic evidence.

NM_138386.3(NAF1):c.49A>T (p.Asn17Tyr)

Gene: NAF1 (nuclear assembly factor 1 ribonucleoprotein; minus strand). Cytogenetic location: 4q32.2.
Variant type: single nucleotide variant.
Coding change: c.49A>T on transcript NM_138386.3 (MANE Select); coding-DNA position 49, A replaced by T.
Protein change: p.Asn17Tyr; replaces asparagine 17 with tyrosine.
Molecular consequence: missense variant.
Genome position (GRCh38, 1-based): chr4:163,166,679, T>A on the plus strand (A>T on the coding strand, the complement: NAF1 is on the minus strand). VCF-style: chr4-163166679-T-A. GRCh37 (hg19) VCF-style: chr4-164087831-T-A.
Other names: c.49A>T, p.Asn17Tyr (NM_001128931.2); short protein forms N17Y.
Identifiers: ClinVar variation 2636176 (VCV002636176.1), dbSNP rs1732493147, ClinGen allele CA358662047.